The following is an entry in ClinVar:

NM_012469.4(PRPF6):c.801C>T (p.Val267=)

Gene: PRPF6 (pre-mRNA processing factor 6; plus strand). Cytogenetic location: 20q13.33.
Variant type: single nucleotide variant.
Coding change: c.801C>T on transcript NM_012469.4 (MANE Select); coding-DNA position 801, C replaced by T.
Protein change: p.Val267=; no amino-acid change (valine 267 retained).
Molecular consequence: synonymous variant.
Genome position (GRCh38, 1-based): chr20:63,999,074, C>T. VCF-style: chr20-63999074-C-T. GRCh37 (hg19) VCF-style: chr20-62630427-C-T.
Identifiers: ClinVar variation 724373 (VCV000724373.17), dbSNP rs138336365, ClinGen allele CA9972007.

ClinVar aggregate classification (germline): Likely benign. Review status: criteria provided, multiple submitters, no conflicts (2 of 4 stars). 5 submissions from 5 submitters: Likely benign (4). 1 of the submissions does not count toward it. Last evaluated 2026-01-07.

Conditions:
Retinitis pigmentosa (RP). Identifiers: Orphanet 791, MedGen C0035334, MeSH D012174, MONDO:0019200, OMIM 268000. Inheritance: Autosomal dominant, autosomal recessive and X linked inheritance.
PRPF6-related disorder. Also called: PRPF6-related condition.

Allele frequency attached by ClinVar (database versions not stated): ExAC 0.00038; gnomAD exomes 0.00038; 1000 Genomes Project 0.00040; 1000 Genomes Project 30x 0.00047; gnomAD 0.00063 and 0.00064; TOPMed 0.00063; ESP Exome Variant Server 0.00131.
gnomAD v4.1: 676 of 1,613,804 alleles (0.042%); highest among the groups gnomAD compares: African/African-American, 0.17%; 1 homozygote.

Submissions (5):

Labcorp Genetics (formerly Invitae), Labcorp
Classification: Likely benign. Last evaluated: 2026-01-07. Review status: criteria provided, single submitter. Criteria: Invitae Variant Classification Sherloc (09022015). Collection method: clinical testing. Allele origin: germline.

Blueprint Genetics
Classification: Likely benign. Last evaluated: 2024-11-11. Review status: criteria provided, single submitter. Criteria: ACMG Guidelines, 2015. Collection method: clinical testing. Allele origin: germline.

Illumina Laboratory Services, Illumina
Classification: Likely benign for Retinitis pigmentosa. Last evaluated: 2018-01-13. Review status: criteria provided, single submitter. Criteria: ICSL Variant Classification Criteria 13 December 2019. Collection method: clinical testing. Allele origin: germline.
Comment: This variant was observed in the ICSL laboratory as part of a predisposition screen in an ostensibly healthy population. It had not been previously curated by ICSL or reported in the Human Gene Mutation Database (HGMD: prior to June 1st, 2018), and was therefore a candidate for classification through an automated scoring system. Utilizing variant allele frequency, disease prevalence and penetrance estimates, and inheritance mode, an automated score was calculated to assess if this variant is too frequent to cause the disease. Based on the score and internal cut-off values, a variant classified as likely benign is not then subjected to further curation. The score for this variant resulted in a classification of likely benign for this disease.

Breakthrough Genomics
Classification: Likely benign. Review status: criteria provided, single submitter. Criteria: ACMG Guidelines, 2015. Collection method: not provided. Allele origin: germline. Inheritance: Autosomal dominant inheritance. Affected: yes.

PreventionGenetics, part of Exact Sciences
Classification: Likely benign for PRPF6-related condition. Last evaluated: 2024-03-13. Review status: no assertion criteria provided. Collection method: clinical testing. Allele origin: germline. Not counted in ClinVar's aggregate classification.
Comment: This variant is classified as likely benign based on ACMG/AMP sequence variant interpretation guidelines (Richards et al. 2015 PMID: 25741868, with internal and published modifications).